The following is an entry in ClinVar:

NM_001003722.2(GLE1):c.456_472dup (p.Val158fs)

Gene: GLE1 (GLE1 RNA export mediator; plus strand). Cytogenetic location: 9q34.11.
Variant type: Duplication.
Coding change: c.456_472dup on transcript NM_001003722.2 (MANE Select); coding-DNA positions 456 to 472, 17 bases duplicated (GGAGCAGGAGAGGAAGG).
Protein change: p.Val158fs; shifts the reading frame from valine 158.
Molecular consequence: frameshift variant.
Genome position (GRCh38, 1-based): chr9:128,522,691-128,522,707, GGAGCAGGAGAGGAAGG duplicated. VCF-style (leftmost placement, unchanged base first): chr9-128522690-A-AGGAGCAGGAGAGGAAGG. GRCh37 (hg19) VCF-style: chr9-131284969-A-AGGAGCAGGAGAGGAAGG.
Other names: c.456_472dup, p.Val158Glyfs (NM_001411013.1); c.456_472dup, p.Val158fs (NM_001499.2); short protein forms V158fs.
Identifiers: ClinVar variation 2130546 (VCV002130546.4), dbSNP rs1847187823, ClinGen allele CA1880320383.

ClinVar aggregate classification (germline): Pathogenic/Likely pathogenic. Review status: criteria provided, multiple submitters, no conflicts (2 of 4 stars). 2 submissions from 2 submitters: Pathogenic (1); Likely pathogenic (1). Last evaluated 2025-09-12.

Conditions:
Lethal congenital contracture syndrome 1 (LCCS1). Also called: MULTIPLE CONTRACTURE SYNDROME, FINNISH TYPE. Identifiers: Orphanet 1486, MedGen C1854664, MONDO:0009670, OMIM 253310.
Lethal arthrogryposis-anterior horn cell disease syndrome (CAAHD). Also called: CONGENITAL ARTHROGRYPOSIS WITH ANTERIOR HORN CELL DISEASE. Identifiers: Orphanet 53696, MedGen C5193016, MONDO:0012750, OMIM 611890.

Allele frequency attached by ClinVar (database versions not stated): gnomAD exomes below 0.00001.

Submissions (2):

First Genomix Gene Laboratory, Genetic Diagnostics Department
Classification: Likely pathogenic for Lethal arthrogryposis-anterior horn cell disease syndrome; Lethal congenital contracture syndrome 1. Last evaluated: 2025-09-12. Review status: criteria provided, single submitter. Criteria: ACMG Guidelines, 2015. Collection method: clinical testing. Allele origin: germline. Inheritance: Autosomal recessive inheritance. Affected: no. Observed: 1 variant allele.

Labcorp Genetics (formerly Invitae), Labcorp
Classification: Pathogenic. Last evaluated: 2022-09-10. Review status: criteria provided, single submitter. Criteria: Invitae Variant Classification Sherloc (09022015). Collection method: clinical testing. Allele origin: germline.
Comment: For these reasons, this variant has been classified as Pathogenic. This variant has not been reported in the literature in individuals affected with GLE1-related conditions. This variant is not present in population databases (gnomAD no frequency). This sequence change creates a premature translational stop signal (p.Val158Glyfs*18) in the GLE1 gene. It is expected to result in an absent or disrupted protein product. Loss-of-function variants in GLE1 are known to be pathogenic (PMID: 18204449, 24243016, 27684565).

Literature cited by the submitters: PubMed 18204449 (cited by Labcorp Genetics (formerly Invitae), Labcorp); PubMed 24243016 (cited by Labcorp Genetics (formerly Invitae), Labcorp); PubMed 27684565 (cited by Labcorp Genetics (formerly Invitae), Labcorp).